The following is an entry in ClinVar:

NM_001042492.3(NF1):c.2685_2686delinsTA (p.Met895_Asp896delinsIleAsn)

Gene: NF1 (neurofibromin 1; plus strand). Cytogenetic location: 17q11.2.
Variant type: Indel.
Coding change: c.2685_2686delinsTA on transcript NM_001042492.3 (MANE Select); coding-DNA positions 2685 to 2686, GG replaced by TA.
Protein change: p.Met895_Asp896delinsIleAsn.
Molecular consequence: missense variant.
Genome position (GRCh38, 1-based): chr17:31,229,300-31,229,301, GG replaced by TA. VCF-style: chr17-31229300-GG-TA. GRCh37 (hg19) VCF-style: chr17-29556318-GG-TA.
Other names: c.2685_2686delGGinsTA, p.Met895_Asp896delinsIleAsn (NM_000267.4).
Identifiers: ClinVar variation 1476757 (VCV001476757.8), dbSNP rs2151429433, ClinGen allele CA2573153310.
Genomic context (GRCh38, chr17:31,229,300, plus strand): 5'-TTCTATGATTTCAGTGATGTCTTCAGAGGGAAACGCAGATACACCTGTCAGCAAATTTAT[GG>TA]ATCGGCTGTTGTCCTTAATGGTGTGTAACCATGAGAAAGTGGGACTTCAAATACGGACCA-3'

ClinVar aggregate classification (germline): Uncertain significance (1 of 4 stars; one submission).

Conditions:
Neurofibromatosis, type 1 (NF1). Also called: Neurofibromatosis, type I; VON RECKLINGHAUSEN DISEASE; NEUROFIBROMATOSIS, TYPE I, SOMATIC; Peripheral type neurofibromatosis. Identifiers: Orphanet 636, MedGen C0027831, MONDO:0018975, OMIM 162200. Disease mechanism: loss of function.

Submission:

Labcorp Genetics (formerly Invitae), Labcorp
Classification: Uncertain significance for Neurofibromatosis, type 1. Last evaluated: 2021-07-09. Review status: criteria provided, single submitter. Criteria: Invitae Variant Classification Sherloc (09022015). Collection method: clinical testing. Allele origin: germline.
Comment: In summary, the available evidence is currently insufficient to determine the role of this variant in disease. Therefore, it has been classified as a Variant of Uncertain Significance. Experimental studies and prediction algorithms are not available or were not evaluated, and the functional significance of this variant is currently unknown. This variant has not been reported in the literature in individuals with NF1-related conditions. The frequency data for this variant in the population databases is not available, as this variant may be reported as separate entries in the ExAC database. This variant, c.2685_2686delinsTA, is a complex sequence change that results in the deletion of methionine and aspartic acid and insertion of isoleucine and asparagine amino acid(s) in the NF1 protein (p.Met895_Asp896delinsIleAsn).